The following is an entry in ClinVar:

ClinVar aggregate classification (germline): Likely benign. Review status: criteria provided, single submitter (1 of 4 stars). 2 submissions from 2 submitters: Likely benign (1). 1 of the submissions does not count toward it. Last evaluated 2025-08-24.

Conditions:
KLF11-related disorder. Also called: KLF11-related condition.

Allele frequency attached by ClinVar (database versions not stated): gnomAD exomes 0.00003; ExAC 0.00006; TOPMed 0.00020; gnomAD 0.00022; ESP Exome Variant Server 0.00031.
gnomAD v4.1: 82 of 1,601,162 alleles (0.0051%); highest among the groups gnomAD compares: African/African-American, 0.082%; no homozygotes.

Submissions (2):

Labcorp Genetics (formerly Invitae), Labcorp
Classification: Likely benign. Last evaluated: 2025-08-24. Review status: criteria provided, single submitter. Criteria: Invitae Variant Classification Sherloc (09022015). Collection method: clinical testing. Allele origin: germline.

PreventionGenetics, part of Exact Sciences
Classification: Likely benign for KLF11-related condition. Last evaluated: 2019-06-12. Review status: no assertion criteria provided. Collection method: clinical testing. Allele origin: germline. Not counted in ClinVar's aggregate classification.
Comment: This variant is classified as likely benign based on ACMG/AMP sequence variant interpretation guidelines (Richards et al. 2015 PMID: 25741868, with internal and published modifications).

NM_003597.5(KLF11):c.987C>T (p.Phe329=)

Gene: KLF11 (KLF transcription factor 11; plus strand). Cytogenetic location: 2p25.1.
Variant type: single nucleotide variant.
Coding change: c.987C>T on transcript NM_003597.5 (MANE Select); coding-DNA position 987, C replaced by T.
Protein change: p.Phe329=; no amino-acid change (phenylalanine 329 retained).
Molecular consequence: synonymous variant.
Genome position (GRCh38, 1-based): chr2:10,048,324, C>T. VCF-style: chr2-10048324-C-T. GRCh37 (hg19) VCF-style: chr2-10188451-C-T.
Other names: c.936C>T, p.Phe312= (NM_001177716.2, NM_001177718.2).
Identifiers: ClinVar variation 3033614 (VCV003033614.3), dbSNP rs371589306, ClinGen allele CA1525653.